The following is an entry in ClinVar:

NM_004333.6(BRAF):c.980+483C>A

Gene: BRAF (B-Raf proto-oncogene, serine/threonine kinase; minus strand). Cytogenetic location: 7q34.
Variant type: single nucleotide variant.
Coding change: c.980+483C>A on transcript NM_004333.6 (MANE Select); 483 bases into the intron after coding-DNA position 980, C replaced by A.
Molecular consequence: intron variant.
Genome position (GRCh38, 1-based): chr7:140,799,879, G>T on the plus strand (C>A on the coding strand, the complement: BRAF is on the minus strand). VCF-style: chr7-140799879-G-T. GRCh37 (hg19) VCF-style: chr7-140499679-G-T.
Other names: c.980+483C>A (NM_001378474.1, NM_001378471.1, NM_001378468.1 and 4 more transcripts); c.878+483C>A (NM_001378470.1); c.716+483C>A (NM_001378475.1); c.989+483C>A (NM_001378467.1); c.824+483C>A (NM_001378472.1, NM_001378473.1).
Identifiers: ClinVar variation 2658093 (VCV002658093.24), dbSNP rs71645955, ClinGen allele CA168105833.

ClinVar aggregate classification (germline): Likely benign (1 of 4 stars; one submission).

Allele frequency attached by ClinVar (database versions not stated): TOPMed 0.00075; gnomAD exomes 0.00262; 1000 Genomes Project 30x 0.00344; gnomAD 0.00350; 1000 Genomes Project 0.00399.
gnomAD v4.1: 897 of 294,062 alleles (0.31%); highest among the groups gnomAD compares: East Asian, 1.4%; 12 homozygotes.

Submission:

CeGaT Center for Human Genetics Tuebingen
Classification: Likely benign. Last evaluated: 2026-08-01. Review status: criteria provided, single submitter. Criteria: CeGaT Center For Human Genetics Tuebingen Variant Classification Criteria Version 2. Collection method: clinical testing. Allele origin: germline. Affected: yes. Observed: 6 variant alleles.
Comment: BRAF: BS1